The following is an entry in ClinVar:

NM_020778.5(ALPK3):c.2426G>A (p.Ser809Asn)

Gene: ALPK3 (alpha kinase 3; plus strand). Cytogenetic location: 15q25.3.
Variant type: single nucleotide variant.
Coding change: c.2426G>A on transcript NM_020778.5 (MANE Select); coding-DNA position 2426, G replaced by A.
Protein change: p.Ser809Asn; replaces serine 809 with asparagine.
Molecular consequence: missense variant.
Genome position (GRCh38, 1-based): chr15:84,857,164, G>A. VCF-style: chr15-84857164-G-A. GRCh37 (hg19) VCF-style: chr15-85400395-G-A.
Other names: short protein forms S809N.
Identifiers: ClinVar variation 1515890 (VCV001515890.11), dbSNP rs1220203156, ClinGen allele CA393357106.

ClinVar aggregate classification (germline): Uncertain significance. Review status: criteria provided, multiple submitters, no conflicts (2 of 4 stars). 2 submissions from 2 submitters: Uncertain significance (2). Last evaluated 2025-07-16.

Conditions:
Cardiovascular phenotype. Identifiers: MedGen CN230736.

Allele frequency attached by ClinVar (database versions not stated): TOPMed below 0.00001; gnomAD exomes 0.00001.
gnomAD v4.1: 7 of 1,614,144 alleles (0.00043%); highest among the groups gnomAD compares: Non-Finnish European, 0.00059%; no homozygotes.

Submissions (2):

Labcorp Genetics (formerly Invitae), Labcorp
Classification: Uncertain significance. Last evaluated: 2025-07-16. Review status: criteria provided, single submitter. Criteria: Invitae Variant Classification Sherloc (09022015). Collection method: clinical testing. Allele origin: germline.
Comment: This sequence change replaces serine, which is neutral and polar, with asparagine, which is neutral and polar, at codon 1011 of the ALPK3 protein (p.Ser1011Asn). This variant is present in population databases (no rsID available, gnomAD 0.0009%). This variant has not been reported in the literature in individuals affected with ALPK3-related conditions. ClinVar contains an entry for this variant (Variation ID: 1515890). Invitae Evidence Modeling of protein sequence and biophysical properties (such as structural, functional, and spatial information, amino acid conservation, physicochemical variation, residue mobility, and thermodynamic stability) indicates that this missense variant is not expected to disrupt ALPK3 protein function with a negative predictive value of 80%. In summary, the available evidence is currently insufficient to determine the role of this variant in disease. Therefore, it has been classified as a Variant of Uncertain Significance.

Ambry Genetics
Classification: Uncertain significance for Cardiovascular phenotype. Last evaluated: 2025-04-24. Review status: criteria provided, single submitter. Criteria: Ambry Variant Classification Scheme 2023. Collection method: clinical testing. Allele origin: germline.
Comment: The p.S1011N variant (also known as c.3032G>A), located in coding exon 6 of the ALPK3 gene, results from a G to A substitution at nucleotide position 3032. The serine at codon 1011 is replaced by asparagine, an amino acid with highly similar properties. This amino acid position is conserved. In addition, this alteration is predicted to be tolerated by in silico analysis. Since supporting evidence is limited at this time, the clinical significance of this alteration remains unclear.